The following is an entry in ClinVar:

NM_003227.4(TFR2):c.2227_2228del (p.Ala743fs)

Gene: TFR2 (transferrin receptor 2; minus strand). Cytogenetic location: 7q22.1.
Variant type: Microsatellite.
Coding change: c.2227_2228del on transcript NM_003227.4 (MANE Select); coding-DNA positions 2227 to 2228, 2 bases deleted (GC; older notation c.2227_2228delGC).
Protein change: p.Ala743fs; shifts the reading frame from alanine 743.
Molecular consequence: frameshift variant.
Genome position (GRCh38, 1-based): chr7:100,621,035-100,621,036, GC deleted on the plus strand (GC on the coding strand, the reverse complement: TFR2 is on the minus strand); deleting any 2 consecutive bases within chr7:100,621,035-100,621,038 gives the same sequence; the c. name uses the placement nearest the transcript's 3' end. VCF-style (leftmost placement, unchanged base first): chr7-100621034-GGC-G. GRCh37 (hg19) VCF-style: chr7-100218657-GGC-G.
Other names: c.1714_1715del, p.Ala572fs (NM_001206855.3); c.2227_2228delGC (NM_003227.3); short protein forms A572fs, A743fs.
Identifiers: ClinVar variation 1440812 (VCV001440812.8), dbSNP rs1463281712, ClinGen allele CA576714282.

ClinVar aggregate classification (germline): Pathogenic/Likely pathogenic. Review status: criteria provided, multiple submitters, no conflicts (2 of 4 stars). 3 submissions from 3 submitters: Pathogenic (1); Likely pathogenic (2). Last evaluated 2024-09-26.

Conditions:
Hemochromatosis type 3 (HFE3). Also called: HEMOCHROMATOSIS DUE TO DEFECT IN TRANSFERRIN RECEPTOR 2; Hereditary hemochromatosis type 3; TFR2-Related Hemochromatosis. Identifiers: Orphanet 225123, MedGen C1858664, MONDO:0011417, OMIM 604250.
Hereditary hemochromatosis (HFE). Identifiers: MedGen C0392514, MONDO:0006507. Disease mechanism: loss of function.

Submissions (3):

Natera, Inc.
Classification: Likely pathogenic for Hereditary hemochromatosis type 3. Last evaluated: 2024-09-26. Review status: criteria provided, single submitter. Criteria: Natera Variant Classification Schema (03/2026). Collection method: clinical testing. Allele origin: germline.
Comment: The c.2227_2228delGC variant in TFR2 is a frameshift variant predicted to shift the reading frame beginning at codon 743 and leads to a stop codon 48 codons downstream. This variant is expected to result in nonsense mediated decay, truncation, or a dysfunctional protein product. This variant is rare in the general population with a frequency below the threshold expected for the associated phenotype(s). Given the available evidence, this variant is classified as Likely Pathogenic.

Labcorp Genetics (formerly Invitae), Labcorp
Classification: Pathogenic for Hereditary hemochromatosis. Last evaluated: 2023-10-18. Review status: criteria provided, single submitter. Criteria: Invitae Variant Classification Sherloc (09022015). Collection method: clinical testing. Allele origin: germline.
Comment: This sequence change creates a premature translational stop signal (p.Ala743Profs*48) in the TFR2 gene. While this is not anticipated to result in nonsense mediated decay, it is expected to disrupt the last 59 amino acid(s) of the TFR2 protein. This variant is present in population databases (no rsID available, gnomAD 0.002%). This variant has not been reported in the literature in individuals affected with TFR2-related conditions. This variant disrupts a region of the TFR2 protein in which other variant(s) (p.Trp781*) have been determined to be pathogenic (PMID: 23600741; Invitae). This suggests that this is a clinically significant region of the protein, and that variants that disrupt it are likely to be disease-causing. For these reasons, this variant has been classified as Pathogenic.

Baylor Genetics
Classification: Likely pathogenic for Hemochromatosis type 3. Last evaluated: 2023-06-09. Review status: criteria provided, single submitter. Criteria: ACMG Guidelines, 2015. Collection method: clinical testing. Allele origin: unknown.

Literature cited by the submitters: PubMed 23600741 (cited by Labcorp Genetics (formerly Invitae), Labcorp).